The following is an entry in ClinVar:

ClinVar aggregate classification (germline): Likely pathogenic (1 of 4 stars; one submission).

Conditions:
Neurodevelopmental disorder with or without hyperkinetic movements and seizures, autosomal dominant. Also called: Intellectual disability, autosomal dominant 8. Identifiers: MedGen C3280282, MONDO:0013655, OMIM 614254.

Submission:

3billion
Classification: Likely pathogenic for Neurodevelopmental disorder with or without hyperkinetic movements and seizures, autosomal dominant. Last evaluated: 2025-07-30. Review status: criteria provided, single submitter. Criteria: ACMG Guidelines, 2015. Collection method: clinical testing. Allele origin: germline. Affected: yes.
Comment: The variant is not observed in the gnomAD v4.1.0 dataset. Predicted Consequence/Location: Stop-gained (nonsense): predicted to result in a loss or disruption of normal protein function through nonsense-mediated decay (NMD) or protein truncation. Multiple pathogenic variants are reported downstream of the variant. Therefore, this variant is classified as Likely pathogenic according to the recommendation of ACMG/AMP guideline.

NM_007327.4(GRIN1):c.2399C>A (p.Ser800Ter)

Gene: GRIN1 (glutamate ionotropic receptor NMDA type subunit 1; plus strand). Cytogenetic location: 9q34.3.
Variant type: single nucleotide variant.
Coding change: c.2399C>A on transcript NM_007327.4 (MANE Select); coding-DNA position 2399, C replaced by A.
Protein change: p.Ser800Ter; replaces serine 800 with a stop codon.
Molecular consequence: nonsense.
Genome position (GRCh38, 1-based): chr9:137,163,624, C>A. VCF-style: chr9-137163624-C-A. GRCh37 (hg19) VCF-style: chr9-140058076-C-A.
Other names: c.2399C>A, p.Ser800Ter (NM_000832.7, NM_021569.4); c.2462C>A, p.Ser821Ter (NM_001185090.2, NM_001185091.2, NM_001437330.1 and 1 more transcripts); short protein forms S800*, S821*.
Identifiers: ClinVar variation 4854526 (VCV004854526.1).
Genomic context (GRCh38, chr9:137,163,624, plus strand): 5'-ACGAGAATGGCTTCATGGAAGACCTGGACAAGACGTGGGTTCGGTATCAGGAATGTGACT[C>A]GCGCAGCAACGCCCCTGCGACCCTTACTTTTGAGAACATGGCCGGTGCGTTCTCCTTCAT-3'